The following is an entry in ClinVar:

NM_213569.2(NEBL):c.69+15G>T

Gene: NEBL (nebulette; minus strand). Cytogenetic location: 10p12.31.
Variant type: single nucleotide variant.
Coding change: c.69+15G>T on transcript NM_213569.2; 15 bases into the intron after coding-DNA position 69, G replaced by T.
Molecular consequence: intron variant. On other transcripts: 5 prime UTR variant (1).
Genome position (GRCh38, 1-based): chr10:21,173,750, C>A on the plus strand (G>T on the coding strand, the complement: NEBL is on the minus strand). VCF-style: chr10-21173750-C-A. GRCh37 (hg19) VCF-style: chr10-21462679-C-A.
Other names: c.-75G>T (NM_001377324.1); c.-39-1273G>T (NM_001377326.1, NM_001377327.1); c.-40+1090G>T (NM_001377328.1); c.69+15G>T (NM_001173484.2, NM_001377322.1).
Identifiers: ClinVar variation 164778 (VCV000164778.6), dbSNP rs377648518, ClinGen allele CA177480.

ClinVar aggregate classification (germline): Likely benign (1 of 4 stars; one submission).

Allele frequency attached by ClinVar (database versions not stated): TOPMed 0.00012; ExAC 0.00017; gnomAD exomes 0.00016 and 0.00008; gnomAD 0.00011; ESP Exome Variant Server 0.00031.
gnomAD v4.1: 147 of 1,612,548 alleles (0.0091%); highest among the groups gnomAD compares: South Asian, 0.0077%; no homozygotes.

Submission:

Laboratory for Molecular Medicine, Mass General Brigham Personalized Medicine
Classification: Likely benign. Last evaluated: 2012-03-19. Review status: criteria provided, single submitter. Criteria: LMM Criteria. Collection method: clinical testing. Allele origin: germline. Observed: 2 variant alleles.
Comment: 69+15G>T in intron 1 of NEBL: This variant is not expected to have clinical sign ificance because it is not located within the splice consensus sequence. It has been identified in 2/7020 European American chromosomes from a broad population by the NHLBI Exome Sequencing Project. 69+15 G>T in intron 1 of NEBL (allele frequency = 2/7020) **